The following is an entry in ClinVar:

ClinVar aggregate classification (germline): Uncertain significance (1 of 4 stars; one submission).

Submission:

GeneDx
Classification: Uncertain significance. Last evaluated: 2025-08-05. Review status: criteria provided, single submitter. Criteria: GeneDx Variant Classification Process June 2021. Collection method: clinical testing. Allele origin: germline. Affected: yes.
Comment: Not observed at significant frequency in large population cohorts (gnomAD); In silico analysis supports that this missense variant has a deleterious effect on protein structure/function; Has not been previously published as pathogenic or benign to our knowledge

NM_001382241.1(TNPO2):c.2614G>A (p.Gly872Arg)

Genes: TNPO2 (transportin 2; minus strand), LOC126862859 (CDK7 strongly-dependent group 2 enhancer GRCh37_chr19:12811952-12813151; plus strand). Cytogenetic location: 19p13.13.
Variant type: single nucleotide variant.
Coding change: c.2614G>A on transcript NM_001382241.1 (MANE Select); coding-DNA position 2614, G replaced by A.
Protein change: p.Gly872Arg; replaces glycine 872 with arginine.
Molecular consequence: missense variant. On other transcripts: non-coding transcript variant (6).
Genome position (GRCh38, 1-based): chr19:12,701,426, C>T on the plus strand (G>A on the coding strand, the complement: TNPO2 is on the minus strand). VCF-style: chr19-12701426-C-T. GRCh37 (hg19) VCF-style: chr19-12812240-C-T.
Other names: c.2584G>A, p.Gly862Arg (NM_001136195.2, NM_001382236.1, NM_001382237.1 and 3 more transcripts); c.2614G>A, p.Gly872Arg (NM_001136196.2, NM_001382240.1, NM_001382242.1); c.2578G>A, p.Gly860Arg (NM_001382243.1); short protein forms G860R, G862R, G872R.
Identifiers: ClinVar variation 4755807 (VCV004755807.1).